The following is an entry in ClinVar:

ClinVar aggregate classification (germline): Uncertain significance (1 of 4 stars; one submission).

Conditions:
Neurodevelopmental disorder with or without hyperkinetic movements and seizures, autosomal dominant. Also called: Intellectual disability, autosomal dominant 8. Identifiers: MedGen C3280282, MONDO:0013655, OMIM 614254.

Submission:

Labcorp Genetics (formerly Invitae), Labcorp
Classification: Uncertain significance for Neurodevelopmental disorder with or without hyperkinetic movements and seizures, autosomal dominant. Last evaluated: 2025-02-15. Review status: criteria provided, single submitter. Criteria: Invitae Variant Classification Sherloc (09022015). Collection method: clinical testing. Allele origin: germline.
Comment: This sequence change replaces cysteine, which is neutral and slightly polar, with tyrosine, which is neutral and polar, at codon 22 of the GRIN1 protein (p.Cys22Tyr). This variant is not present in population databases (gnomAD no frequency). This variant has not been reported in the literature in individuals affected with GRIN1-related conditions. Invitae Evidence Modeling of protein sequence and biophysical properties (such as structural, functional, and spatial information, amino acid conservation, physicochemical variation, residue mobility, and thermodynamic stability) indicates that this missense variant is not expected to disrupt GRIN1 protein function with a negative predictive value of 95%. In summary, the available evidence is currently insufficient to determine the role of this variant in disease. Therefore, it has been classified as a Variant of Uncertain Significance.

NM_007327.4(GRIN1):c.65G>A (p.Cys22Tyr)

Gene: GRIN1 (glutamate ionotropic receptor NMDA type subunit 1; plus strand). Cytogenetic location: 9q34.3.
Variant type: single nucleotide variant.
Coding change: c.65G>A on transcript NM_007327.4 (MANE Select); coding-DNA position 65, G replaced by A.
Protein change: p.Cys22Tyr; replaces cysteine 22 with tyrosine.
Molecular consequence: missense variant.
Genome position (GRCh38, 1-based): chr9:137,139,551, G>A. VCF-style: chr9-137139551-G-A. GRCh37 (hg19) VCF-style: chr9-140034003-G-A.
Other names: c.65G>A, p.Cys22Tyr (NM_000832.7, NM_001185090.2, NM_001185091.2 and 1 more transcripts); short protein forms C22Y.
Identifiers: ClinVar variation 3709294 (VCV003709294.2).